The following is an entry in ClinVar:

ClinVar aggregate classification (germline): Uncertain significance. Review status: reviewed by expert panel (3 of 4 stars). 5 submissions from 5 submitters: Uncertain significance (1). 4 of the submissions do not count toward it. Last evaluated 2026-01-30.

Conditions:
Pulmonary arterial hypertension. Identifiers: Orphanet 182090, MedGen C2973725, MeSH D000081029, MONDO:0015924, HP:0002092.
Primary pulmonary hypertension. Also called: Idiopathic pulmonary hypertension. Identifiers: MedGen C0152171.
Pulmonary arterial hypertension associated with congenital heart disease. Identifiers: Orphanet 275803, MedGen C3697119, MONDO:0017152.
Pulmonary venoocclusive disease 1 (PVOD1). Also called: Pulmonary venoocclusive disease 1, autosomal dominant. Identifiers: Orphanet 31837, MedGen C3887658, MONDO:0020713, OMIM 265450.
Pulmonary hypertension, primary, 1 (PPH1). Also called: Pulmonary hypertension, familial primary, 1, with or without HHT. Identifiers: Orphanet 422, MedGen C4552070, MONDO:0024533, OMIM 178600.

Allele frequency attached by ClinVar (database versions not stated): gnomAD exomes below 0.00001.
gnomAD v4.1: 2 of 1,614,202 alleles (0.00012%); highest among the groups gnomAD compares: East Asian, 0.0045%; no homozygotes.

Submissions (5):

Clingen Pulmonary Hypertension Variant Curation Expert Panel, ClinGen
Classification: Uncertain significance for Pulmonary arterial hypertension. Last evaluated: 2026-01-30. Review status: reviewed by expert panel. Criteria: ClinGen PH ACMG Specifications BMPR2 V2.0.0. Collection method: curation. Allele origin: germline. Inheritance: Autosomal dominant inheritance.
Comment: The NM_001204.7(BMPR2) c.1509A>C variant is a missense variant predicted to cause substitution of glutamate by aspartate at amino acid 503 (p.Glu503Asp). The maximum subpopulation allele frequency in gnomAD v4.1 is 8.474e-7 (1/1180024 alleles, non-Finnish Europeans), below the PH VCEP threshold of 0.01% (PM2 met). The variant REVEL score (0.662) meets the PH VCEP threshold of >=0.644 but the AlphaMissense score (0.2603) and CADD score (17.69) are below the thresholds for pathogenicity (PP3 not met). The variant does not affect protein localization to the plasma membrane (PMID: 25688877) or cell viability (PMID: 30809644). A single luciferase assay demonstrated comparable canonical transcriptional activity to wild-type (PMID: 18321866). However, the lack of effect on canonical signaling in one assay without replication in an independent assay, did not provide conclusive evidence for non-criticality (BS3 not met). In summary, this variant meets the criteria to be classified as a variant of uncertain significance for pulmonary arterial hypertension based on the ACMG/AMP criteria applied, as specified by the ClinGen Pulmonary Hypertension VCEP: PM2. (VCEP specifications version 2.0, 1/30/2026)

Labcorp Genetics (formerly Invitae), Labcorp
Classification: Likely benign for Primary pulmonary hypertension. Last evaluated: 2024-02-14. Review status: criteria provided, single submitter. Criteria: Invitae Variant Classification Sherloc (09022015). Collection method: clinical testing. Allele origin: germline. Not counted in ClinVar's aggregate classification.

Fulgent Genetics
Classification: Uncertain significance for Pulmonary hypertension, primary, 1; Pulmonary venoocclusive disease 1. Last evaluated: 2022-03-09. Review status: criteria provided, single submitter. Criteria: ACMG Guidelines, 2015. Collection method: clinical testing. Allele origin: unknown. Not counted in ClinVar's aggregate classification.

Wendy Chung Laboratory, Boston Children's Hospital
Classification: Uncertain significance for Pulmonary arterial hypertension associated with congenital heart disease. Last evaluated: 2018-06-27. Review status: criteria provided, single submitter. Criteria: ACMG Guidelines, 2015. Collection method: case-control. Allele origin: unknown. Affected: yes. Observed: 1 variant allele. Not counted in ClinVar's aggregate classification.

Rare Disease Genomics Group, St George's University of London
Classification: Pathogenic for Pulmonary arterial hypertension associated with congenital heart disease. Review status: no assertion criteria provided. Collection method: literature only. Allele origin: germline. Affected: yes. Not counted in ClinVar's aggregate classification.

Literature cited by the submitters: PubMed 30029678 (cited by Wendy Chung Laboratory, Boston Children's Hospital); PubMed 15358693 (cited by Rare Disease Genomics Group, St George's University of London).

NM_001204.7(BMPR2):c.1509A>C (p.Glu503Asp)

Gene: BMPR2 (bone morphogenetic protein receptor type 2; plus strand). Cytogenetic location: 2q33.2.
Variant type: single nucleotide variant.
Coding change: c.1509A>C on transcript NM_001204.7 (MANE Select); coding-DNA position 1509, A replaced by C.
Protein change: p.Glu503Asp; replaces glutamic acid 503 with aspartic acid.
Molecular consequence: missense variant.
Genome position (GRCh38, 1-based): chr2:202,552,811, A>C. VCF-style: chr2-202552811-A-C. GRCh37 (hg19) VCF-style: chr2-203417534-A-C.
Other names: NM_001204.7(BMPR2):c.1509A>C; p.Glu503Asp; c.1509A>C, p.E503D (LRG_712t1); short protein forms E503D.
Identifiers: ClinVar variation 409828 (VCV000409828.13), dbSNP rs1060502583, ClinGen allele CA16610570.